The following is an entry in ClinVar:

NM_007327.4(GRIN1):c.2700+6G>A

Gene: GRIN1 (glutamate ionotropic receptor NMDA type subunit 1; plus strand). Cytogenetic location: 9q34.3.
Variant type: single nucleotide variant.
Coding change: c.2700+6G>A on transcript NM_007327.4 (MANE Select); 6 bases into the intron after coding-DNA position 2700, G replaced by A.
Molecular consequence: intron variant.
Genome position (GRCh38, 1-based): chr9:137,165,302, G>A. VCF-style: chr9-137165302-G-A. GRCh37 (hg19) VCF-style: chr9-140059754-G-A.
Other names: c.2763+6G>A (NM_001185090.2); c.2652+1398G>A (NM_001185091.2); c.2589+1398G>A (NM_021569.4, NM_000832.7).
Identifiers: ClinVar variation 1003429 (VCV001003429.9), dbSNP rs1366596507, ClinGen allele CA591200530.

ClinVar aggregate classification (germline): Uncertain significance (1 of 4 stars; one submission).

Conditions:
Neurodevelopmental disorder with or without hyperkinetic movements and seizures, autosomal dominant. Also called: Intellectual disability, autosomal dominant 8. Identifiers: MedGen C3280282, MONDO:0013655, OMIM 614254.

Allele frequency attached by ClinVar (database versions not stated): gnomAD exomes below 0.00001; TOPMed 0.00001.
gnomAD v4.1: 5 of 1,564,060 alleles (0.00032%); highest among the groups gnomAD compares: Admixed American, 0.0017%; no homozygotes.

Submission:

Labcorp Genetics (formerly Invitae), Labcorp
Classification: Uncertain significance for Neurodevelopmental disorder with or without hyperkinetic movements and seizures, autosomal dominant. Last evaluated: 2022-10-18. Review status: criteria provided, single submitter. Criteria: Invitae Variant Classification Sherloc (09022015). Collection method: clinical testing. Allele origin: germline.
Comment: This sequence change falls in intron 19 of the GRIN1 gene. It does not directly change the encoded amino acid sequence of the GRIN1 protein. It affects a nucleotide within the consensus splice site. This variant is present in population databases (no rsID available, gnomAD 0.003%). This variant has not been reported in the literature in individuals affected with GRIN1-related conditions. ClinVar contains an entry for this variant (Variation ID: 1003429). Variants that disrupt the consensus splice site are a relatively common cause of aberrant splicing (PMID: 17576681, 9536098). Algorithms developed to predict the effect of sequence changes on RNA splicing suggest that this variant is not likely to affect RNA splicing. In summary, the available evidence is currently insufficient to determine the role of this variant in disease. Therefore, it has been classified as a Variant of Uncertain Significance.

Literature cited by the submitters: PubMed 17576681; PubMed 9536098.